The following is an entry in ClinVar:

NM_144736.5(NDUFAF7):c.678T>C (p.Phe226=)

Gene: NDUFAF7 (NADH:ubiquinone oxidoreductase complex assembly factor 7; plus strand). Cytogenetic location: 2p22.2.
Variant type: single nucleotide variant.
Coding change: c.678T>C on transcript NM_144736.5 (MANE Select); coding-DNA position 678, T replaced by C.
Protein change: p.Phe226=; no amino-acid change (phenylalanine 226 retained).
Molecular consequence: synonymous variant. On other transcripts: non-coding transcript variant (7), intron variant (2).
Genome position (GRCh38, 1-based): chr2:37,242,690, T>C. VCF-style: chr2-37242690-T-C. GRCh37 (hg19) VCF-style: chr2-37469833-T-C.
Other names: c.678T>C, p.Phe226= (NM_001350024.2); c.597T>C, p.Phe199= (NM_001350025.2); c.468+1053T>C (NM_001350027.2); c.387+1053T>C (NM_001083946.2).
Identifiers: ClinVar variation 378247 (VCV000378247.4), dbSNP rs148412716, ClinGen allele CA1617220.

ClinVar aggregate classification (germline): Benign/Likely benign. Review status: criteria provided, multiple submitters, no conflicts (2 of 4 stars). 3 submissions from 3 submitters: Benign (1); Likely benign (2). Last evaluated 2024-11-09.

Conditions:
NDUFAF7-related condition.

Allele frequency attached by ClinVar (database versions not stated): gnomAD 0.00061 and 0.00083; gnomAD exomes 0.00068 and 0.00175; TOPMed 0.00100; ExAC 0.00181; 1000 Genomes Project 30x 0.00250; 1000 Genomes Project 0.00300.
gnomAD v4.1: 1,096 of 1,598,168 alleles (0.069%); highest among the groups gnomAD compares: East Asian, 2.2%; 10 homozygotes.

Submissions (3):

PreventionGenetics, part of Exact Sciences
Classification: Benign for NDUFAF7-related condition. Last evaluated: 2024-11-09. Review status: criteria provided, single submitter. Criteria: ACMG Guidelines, 2015. Collection method: clinical testing. Allele origin: germline.
Comment: This variant is classified as benign based on ACMG/AMP sequence variant interpretation guidelines (Richards et al. 2015 PMID: 25741868, with internal and published modifications).

GeneDx
Classification: Likely benign. Last evaluated: 2020-08-17. Review status: criteria provided, single submitter. Criteria: GeneDx Variant Classification Process June 2021. Collection method: clinical testing. Allele origin: germline. Affected: yes.

Breakthrough Genomics
Classification: Likely benign. Review status: criteria provided, single submitter. Criteria: ACMG Guidelines, 2015. Collection method: not provided. Allele origin: germline. Inheritance: Unknown mechanism. Affected: yes.